The following is an entry in ClinVar:

ClinVar aggregate classification (germline): Uncertain significance. Review status: criteria provided, multiple submitters, no conflicts (2 of 4 stars). 3 submissions from 3 submitters: Uncertain significance (3). Last evaluated 2023-04-11.

Conditions:
Inborn genetic diseases. Identifiers: MedGen C0950123, MeSH D030342.
Developmental and epileptic encephalopathy, 18 (DEE18). Also called: Early infantile epileptic encephalopathy 18. Identifiers: Orphanet 369894, MedGen C3809624, MONDO:0014201, OMIM 615476.

Allele frequency attached by ClinVar (database versions not stated): gnomAD exomes 0.00001.
gnomAD v4.1: 8 of 1,598,164 alleles (0.0005%); highest among the groups gnomAD compares: East Asian, 0.0022%; no homozygotes.

Submissions (3):

Genome-Nilou Lab
Classification: Uncertain significance for Developmental and epileptic encephalopathy, 18. Last evaluated: 2023-04-11. Review status: criteria provided, single submitter. Criteria: ACMG Guidelines, 2015. Collection method: clinical testing. Allele origin: germline. Affected: no.

Labcorp Genetics (formerly Invitae), Labcorp
Classification: Uncertain significance. Last evaluated: 2020-01-14. Review status: criteria provided, single submitter. Criteria: Invitae Variant Classification Sherloc (09022015). Collection method: clinical testing. Allele origin: germline.
Comment: This variant is not present in population databases (ExAC no frequency). This sequence change replaces arginine with cysteine at codon 283 of the SZT2 protein (p.Arg283Cys). The arginine residue is weakly conserved and there is a large physicochemical difference between arginine and cysteine. This variant has not been reported in the literature in individuals with SZT2-related conditions. ClinVar contains an entry for this variant (Variation ID: 589184). In summary, the available evidence is currently insufficient to determine the role of this variant in disease. Therefore, it has been classified as a Variant of Uncertain Significance. Algorithms developed to predict the effect of missense changes on protein structure and function are either unavailable or do not agree on the potential impact of this missense change (SIFT: "Deleterious"; PolyPhen-2: "Probably Damaging"; Align-GVGD: "Class C0").

Ambry Genetics
Classification: Uncertain significance for Inborn genetic diseases. Last evaluated: 2017-06-12. Review status: criteria provided, single submitter. Criteria: Ambry Variant Classification Scheme 2023. Collection method: clinical testing. Allele origin: germline.
Comment: The p.R283C variant (also known as c.847C>T), located in coding exon 7 of the SZT2 gene, results from a C to T substitution at nucleotide position 847. The arginine at codon 283 is replaced by cysteine, an amino acid with highly dissimilar properties. This amino acid position is highly conserved in available vertebrate species. In addition, the in silico prediction for this alteration is inconclusive. Since supporting evidence is limited at this time, the clinical significance of this alteration remains unclear.

NM_001365999.1(SZT2):c.847C>T (p.Arg283Cys)

Gene: SZT2 (SZT2 subunit of KICSTOR complex; plus strand). Cytogenetic location: 1p34.2.
Variant type: single nucleotide variant.
Coding change: c.847C>T on transcript NM_001365999.1 (MANE Select); coding-DNA position 847, C replaced by T.
Protein change: p.Arg283Cys; replaces arginine 283 with cysteine.
Molecular consequence: missense variant.
Genome position (GRCh38, 1-based): chr1:43,416,609, C>T. VCF-style: chr1-43416609-C-T. GRCh37 (hg19) VCF-style: chr1-43882280-C-T.
Other names: c.847C>T, p.Arg283Cys (NM_015284.4); short protein forms R283C.
Identifiers: ClinVar variation 589184 (VCV000589184.15), dbSNP rs1557534581, ClinGen allele CA340003747.